The following is an entry in ClinVar:

NM_145059.3(FCSK):c.2641+17_2641+18insTA

Gene: FCSK (fucose kinase; plus strand). Cytogenetic location: 16q22.1.
Variant type: Insertion.
Coding change: c.2641+17_2641+18insTA on transcript NM_145059.3 (MANE Select); bases 17 to 18 of the intron after coding-DNA position 2641, TA inserted.
Molecular consequence: intron variant.
Genome position: GRCh38 VCF-style: chr16-70475784-G-GTA. GRCh37 (hg19) VCF-style: chr16-70509687-G-GTA.
Identifiers: ClinVar variation 3608186 (VCV003608186.2).

ClinVar aggregate classification (germline): Uncertain significance (1 of 4 stars; one submission).

Submission:

Labcorp Genetics (formerly Invitae), Labcorp
Classification: Uncertain significance. Last evaluated: 2026-01-05. Review status: criteria provided, single submitter. Criteria: Invitae Variant Classification Sherloc (09022015). Collection method: clinical testing. Allele origin: germline.
Comment: This sequence change falls in intron 20 of the FUK gene. It does not directly change the encoded amino acid sequence of the FUK protein. This variant is not present in population databases (gnomAD no frequency). This variant has not been reported in the literature in individuals affected with FUK-related conditions. ClinVar contains an entry for this variant (Variation ID: 3608186). Algorithms developed to predict the effect of sequence changes on RNA splicing suggest that this variant may disrupt the consensus splice site. In summary, the available evidence is currently insufficient to determine the role of this variant in disease. Therefore, it has been classified as a Variant of Uncertain Significance.